The following is an entry in ClinVar:

ClinVar aggregate classification (germline): Uncertain significance. Review status: criteria provided, multiple submitters, no conflicts (2 of 4 stars). 3 submissions from 3 submitters: Uncertain significance (3). Last evaluated 2024-01-31.

Conditions:
Immunodeficiency 104. Also called: Severe combined immunodeficiency, autosomal recessive, T cell-negative, B cell-positive, NK cell-positive; IMMUNODEFICIENCY 104, SEVERE COMBINED; SCID, AUTOSOMAL RECESSIVE, T CELL-NEGATIVE, B CELL-POSITIVE, NK CELL-POSITIVE; Severe Combined Immune Deficiency, Autosomal Recessive, TCell -Negative, B Cell-Positive, NK Cell-Positive, IL7R-Related. Identifiers: MedGen C5676890, MONDO:0012163, OMIM 608971.

Allele frequency attached by ClinVar (database versions not stated): gnomAD 0.00001; TOPMed 0.00001; gnomAD exomes 0.00002.

Submissions (3):

Blueprint Genetics
Classification: Uncertain significance. Last evaluated: 2024-01-31. Review status: criteria provided, single submitter. Criteria: ACMG Guidelines, 2015. Collection method: clinical testing. Allele origin: germline.

Women's Health and Genetics/Laboratory Corporation of America, LabCorp
Classification: Uncertain significance. Last evaluated: 2024-01-11. Review status: criteria provided, single submitter. Criteria: LabCorp Variant Classification Summary - May 2015. Collection method: clinical testing. Allele origin: germline.
Comment: Variant summary: PTPRC c.3G>T (p.Met1Ile) alters the initiation codon and is predicted to result either in absence of the protein or truncation of the encoded protein due to translation initiation at a downstream codon. An alternative downstream in-frame start codon (Met3) is located in the encoded protein. An activation of potential downstream translation initiation site would result in a shortened protein missing the first 2 amino acids from the protein sequence. To our knowledge, no pathogenic variants have been reported upstream of this alternate codon. Two of three in-silico tools predict a benign effect of the variant on protein function. The variant allele was found at a frequency of 1.6e-05 in 251140 control chromosomes (gnomAD). The available data on variant occurrences in the general population are insufficient to allow any conclusion about variant significance. To our knowledge, no occurrence of c.3G>T in individuals affected with Severe Combined Immunodeficiency and no experimental evidence demonstrating its impact on protein function have been reported. ClinVar contains an entry for this variant (Variation ID: 1471102). Based on the evidence outlined above, the variant was classified as uncertain significance.

Labcorp Genetics (formerly Invitae), Labcorp
Classification: Uncertain significance for Immunodeficiency 104. Last evaluated: 2021-10-21. Review status: criteria provided, single submitter. Criteria: Invitae Variant Classification Sherloc (09022015). Collection method: clinical testing. Allele origin: germline.
Comment: This sequence change affects the initiator methionine of the PTPRC mRNA. The next in-frame methionine is located at codon 3. This variant is not present in population databases (ExAC no frequency). This variant has not been reported in the literature in individuals affected with PTPRC-related conditions. Experimental studies and prediction algorithms are not available or were not evaluated, and the functional significance of this variant is currently unknown. In summary, the available evidence is currently insufficient to determine the role of this variant in disease. Therefore, it has been classified as a Variant of Uncertain Significance.

NM_002838.5(PTPRC):c.3G>T (p.Met1Ile)

Gene: PTPRC (protein tyrosine phosphatase receptor type C; plus strand). Cytogenetic location: 1q31.3.
Variant type: single nucleotide variant.
Coding change: c.3G>T on transcript NM_002838.5 (MANE Select); coding-DNA position 3, G replaced by T.
Protein change: p.Met1Ile; changes the start codon (methionine 1).
Molecular consequence: missense variant, initiator codon variant. On other transcripts: non-coding transcript variant (1).
Genome position (GRCh38, 1-based): chr1:198,639,271, G>T. VCF-style: chr1-198639271-G-T. GRCh37 (hg19) VCF-style: chr1-198608401-G-T.
Other names: c.3G>T, p.Met1Ile (NM_001267798.2, NM_080921.4); short protein forms M1I.
Identifiers: ClinVar variation 1471102 (VCV001471102.6), dbSNP rs759182888, ClinGen allele CA36176090.